The following is an entry in ClinVar:

ClinVar aggregate classification (germline): Uncertain significance (1 of 4 stars; one submission).

Conditions:
Capillary malformation-arteriovenous malformation syndrome. Also called: Capillary malformation-arteriovenous malformation. Identifiers: Orphanet 137667, MedGen C1842180, MONDO:0012016.

gnomAD v4.1: 12 of 1,606,468 alleles (0.00075%); highest among the groups gnomAD compares: Non-Finnish European, 0.001%; no homozygotes.

Submission:

Labcorp Genetics (formerly Invitae), Labcorp
Classification: Uncertain significance for Capillary malformation-arteriovenous malformation syndrome. Last evaluated: 2025-03-16. Review status: criteria provided, single submitter. Criteria: Invitae Variant Classification Sherloc (09022015). Collection method: clinical testing. Allele origin: germline.
Comment: This sequence change replaces proline, which is neutral and non-polar, with leucine, which is neutral and non-polar, at codon 440 of the RASA1 protein (p.Pro440Leu). This variant is present in population databases (no rsID available, gnomAD 0.002%). This variant has not been reported in the literature in individuals affected with RASA1-related conditions. An algorithm developed to predict the effect of missense changes on protein structure and function (PolyPhen-2) suggests that this variant is likely to be tolerated. In summary, the available evidence is currently insufficient to determine the role of this variant in disease. Therefore, it has been classified as a Variant of Uncertain Significance.

NM_002890.3(RASA1):c.1319C>T (p.Pro440Leu)

Genes: CCNH (cyclin H; minus strand), RASA1 (RAS p21 protein activator 1; plus strand). Cytogenetic location: 5q14.3.
Variant type: single nucleotide variant.
Coding change: c.1319C>T on transcript NM_002890.3 (MANE Select); coding-DNA position 1319, C replaced by T.
Protein change: p.Pro440Leu; replaces proline 440 with leucine.
Molecular consequence: missense variant. On other transcripts: intron variant (1).
Genome position (GRCh38, 1-based): chr5:87,353,222, C>T. VCF-style: chr5-87353222-C-T. GRCh37 (hg19) VCF-style: chr5-86649039-C-T.
Other names: c.788C>T, p.Pro263Leu (NM_022650.3); c.934-40427G>A (NM_001364075.2); short protein forms P263L, P440L.
Identifiers: ClinVar variation 4773399 (VCV004773399.1).